The following is an entry in ClinVar:

NM_001244008.2(KIF1A):c.1578-3C>T

Gene: KIF1A (kinesin family member 1A; minus strand). Cytogenetic location: 2q37.3.
Variant type: single nucleotide variant.
Coding change: c.1578-3C>T on transcript NM_001244008.2 (MANE Select); 3 bases into the intron before coding-DNA position 1578, C replaced by T.
Molecular consequence: intron variant.
Genome position (GRCh38, 1-based): chr2:240,767,024, G>A on the plus strand (C>T on the coding strand, the complement: KIF1A is on the minus strand). VCF-style: chr2-240767024-G-A. GRCh37 (hg19) VCF-style: chr2-241706441-G-A.
Other names: c.1551-3C>T (NM_001379653.1, NM_001379650.1, NM_001379645.1 and 10 more transcripts); c.1653-3C>T (NM_001379635.1, NM_001330290.2, NM_001379646.1 and 2 more transcripts); c.1626-3C>T (NM_001379637.1, NM_001379648.1); c.1578-3C>T (NM_001320705.2, NM_001379638.1, NM_001330289.2).
Identifiers: ClinVar variation 2102437 (VCV002102437.4), dbSNP rs2537764090, ClinGen allele CA2577301856.

ClinVar aggregate classification (germline): Uncertain significance (1 of 4 stars; one submission).

Conditions:
Neuropathy, hereditary sensory, type 2C. Also called: Hereditary sensory and autonomic neuropathy type IIC; KIF1A-Related HSAN2 (HSAN2C). Identifiers: Orphanet 970, MedGen C3280168, MONDO:0013634, OMIM 614213.
Intellectual disability, autosomal dominant 9 (NESCAVS). Also called: NESCAV SYNDROME; KIF1A-Related Neurodevelopmental Disorder. Identifiers: Orphanet 662367, MedGen C5393830, MONDO:0013656, OMIM 614255.
Hereditary spastic paraplegia 30. Identifiers: Orphanet 101010, MedGen C5235139, MONDO:0012476.

Submission:

Labcorp Genetics (formerly Invitae), Labcorp
Classification: Uncertain significance for Hereditary spastic paraplegia 30; Neuropathy, hereditary sensory, type 2C; Intellectual disability, autosomal dominant 9. Last evaluated: 2022-02-23. Review status: criteria provided, single submitter. Criteria: Invitae Variant Classification Sherloc (09022015). Collection method: clinical testing. Allele origin: germline.
Comment: In summary, the available evidence is currently insufficient to determine the role of this variant in disease. Therefore, it has been classified as a Variant of Uncertain Significance. Variants that disrupt the consensus splice site are a relatively common cause of aberrant splicing (PMID: 17576681, 9536098). Algorithms developed to predict the effect of sequence changes on RNA splicing suggest that this variant is not likely to affect RNA splicing. This variant has not been reported in the literature in individuals affected with KIF1A-related conditions. This variant is not present in population databases (gnomAD no frequency). This sequence change falls in intron 16 of the KIF1A gene. It does not directly change the encoded amino acid sequence of the KIF1A protein. It affects a nucleotide within the consensus splice site.

Literature cited by the submitters: PubMed 17576681; PubMed 9536098.